The following is an entry in ClinVar:

NM_001354930.2(RIPK1):c.57G>C (p.Glu19Asp)

Gene: RIPK1 (receptor interacting serine/threonine kinase 1; plus strand). Cytogenetic location: 6p25.2.
Variant type: single nucleotide variant.
Coding change: c.57G>C on transcript NM_001354930.2 (MANE Select); coding-DNA position 57, G replaced by C.
Protein change: p.Glu19Asp; replaces glutamic acid 19 with aspartic acid.
Molecular consequence: missense variant. On other transcripts: 5 prime UTR variant (4).
Genome position (GRCh38, 1-based): chr6:3,076,880, G>C. VCF-style: chr6-3076880-G-C. GRCh37 (hg19) VCF-style: chr6-3077114-G-C.
Other names: c.57G>C, p.Glu19Asp (NM_001354931.2, NM_003804.6); c.-547G>C (NM_001354932.2, NM_001354933.2, NM_001354934.2 and 1 more transcripts); short protein forms E19D.
Identifiers: ClinVar variation 4778010 (VCV004778010.1).

ClinVar aggregate classification (germline): Uncertain significance (1 of 4 stars; one submission).

gnomAD v4.1: 17 of 1,611,344 alleles (0.0011%); highest among the groups gnomAD compares: Non-Finnish European, 0.0014%; no homozygotes.

Submission:

Labcorp Genetics (formerly Invitae), Labcorp
Classification: Uncertain significance. Last evaluated: 2025-05-01. Review status: criteria provided, single submitter. Criteria: Invitae Variant Classification Sherloc (09022015). Collection method: clinical testing. Allele origin: germline.
Comment: This sequence change replaces glutamic acid, which is acidic and polar, with aspartic acid, which is acidic and polar, at codon 19 of the RIPK1 protein (p.Glu19Asp). This variant is not present in population databases (gnomAD no frequency). This variant has not been reported in the literature in individuals affected with RIPK1-related conditions. An algorithm developed to predict the effect of missense changes on protein structure and function (PolyPhen-2) suggests that this variant is likely to be tolerated. In summary, the available evidence is currently insufficient to determine the role of this variant in disease. Therefore, it has been classified as a Variant of Uncertain Significance.